The following is an entry in ClinVar:

NM_000303.3(PMM2):c.447+1G>A

Gene: PMM2 (phosphomannomutase 2; plus strand). Cytogenetic location: 16p13.2.
Variant type: single nucleotide variant.
Coding change: c.447+1G>A on transcript NM_000303.3 (MANE Select); the canonical splice donor site of the intron after coding-DNA position 447, G replaced by A.
Molecular consequence: splice donor variant.
Genome position (GRCh38, 1-based): chr16:8,811,179, G>A. VCF-style: chr16-8811179-G-A. GRCh37 (hg19) VCF-style: chr16-8905036-G-A.
Identifiers: ClinVar variation 3724722 (VCV003724722.3).

ClinVar aggregate classification (germline): Likely pathogenic (1 of 4 stars; one submission).

Conditions:
PMM2-congenital disorder of glycosylation. Also called: CDG Ia; JAEKEN SYNDROME; PHOSPHOMANNOMUTASE 2 DEFICIENCY; CARBOHYDRATE-DEFICIENT GLYCOPROTEIN SYNDROME, TYPE Ia; Congenital disorder of glycosylation, type Ia; PMM2-CDG. Identifiers: Orphanet 79318, MedGen C0349653, MONDO:0008907, OMIM 212065.

Submission:

Labcorp Genetics (formerly Invitae), Labcorp
Classification: Likely pathogenic for PMM2-congenital disorder of glycosylation. Last evaluated: 2025-01-06. Review status: criteria provided, single submitter. Criteria: Invitae Variant Classification Sherloc (09022015). Collection method: clinical testing. Allele origin: germline.
Comment: This sequence change affects a donor splice site in intron 5 of the PMM2 gene. It is expected to disrupt RNA splicing. Variants that disrupt the donor or acceptor splice site typically lead to a loss of protein function (PMID: 16199547), and loss-of-function variants in PMM2 are known to be pathogenic (PMID: 19862844). This variant is not present in population databases (gnomAD no frequency). This variant has not been reported in the literature in individuals affected with PMM2-related conditions. Algorithms developed to predict the effect of sequence changes on RNA splicing suggest that this variant may disrupt the consensus splice site. In summary, the currently available evidence indicates that the variant is pathogenic, but additional data are needed to prove that conclusively. Therefore, this variant has been classified as Likely Pathogenic.

Literature cited by the submitters: PubMed 16199547; PubMed 19862844.